The following is an entry in ClinVar:

ClinVar aggregate classification (germline): Uncertain significance (1 of 4 stars; one submission).

Conditions:
Inborn genetic diseases. Identifiers: MedGen C0950123, MeSH D030342.

gnomAD v4.1: 1 of 1,611,584 alleles (0.000062%); highest among the groups gnomAD compares: Non-Finnish European, 0.000085%; no homozygotes.

Submission:

Ambry Genetics
Classification: Uncertain significance for Inborn genetic diseases. Last evaluated: 2024-11-22. Review status: criteria provided, single submitter. Criteria: Ambry Variant Classification Scheme 2023. Collection method: clinical testing. Allele origin: germline.
Comment: The p.R842K variant (also known as c.2525G>A), located in coding exon 12 of the BMPR2 gene, results from a G to A substitution at nucleotide position 2525. The arginine at codon 842 is replaced by lysine, an amino acid with highly similar properties. This amino acid position is conserved. In addition, the in silico prediction for this alteration is inconclusive. Based on the available evidence, the clinical significance of this variant remains unclear.

NM_001204.7(BMPR2):c.2525G>A (p.Arg842Lys)

Gene: BMPR2 (bone morphogenetic protein receptor type 2; plus strand). Cytogenetic location: 2q33.2.
Variant type: single nucleotide variant.
Coding change: c.2525G>A on transcript NM_001204.7 (MANE Select); coding-DNA position 2525, G replaced by A.
Protein change: p.Arg842Lys; replaces arginine 842 with lysine.
Molecular consequence: missense variant.
Genome position (GRCh38, 1-based): chr2:202,556,190, G>A. VCF-style: chr2-202556190-G-A. GRCh37 (hg19) VCF-style: chr2-203420913-G-A.
Other names: short protein forms R842K.
Identifiers: ClinVar variation 3481288 (VCV003481288.1).